The following is an entry in ClinVar:

NM_017739.4(POMGNT1):c.137del (p.Phe46fs)

Gene: POMGNT1 (protein O-linked mannose N-acetylglucosaminyltransferase 1 (beta 1,2-); minus strand). Cytogenetic location: 1p34.1.
Variant type: Deletion.
Coding change: c.137del on transcript NM_017739.4 (MANE Select); coding-DNA position 137, one base deleted (T; older notation c.137delT).
Protein change: p.Phe46fs; shifts the reading frame from phenylalanine 46.
Molecular consequence: frameshift variant. On other transcripts: 5 prime UTR variant (1).
Genome position (GRCh38, 1-based): chr1:46,197,068, A deleted on the plus strand (T on the coding strand, the reverse complement: POMGNT1 is on the minus strand); the first of 4 consecutive A bases (chr1:46,197,068-46,197,071); deleting any one gives the same sequence. VCF-style (leftmost placement, unchanged base first): chr1-46197067-GA-G. GRCh37 (hg19) VCF-style: chr1-46662739-GA-G.
Other names: c.137del, p.Phe46fs (NM_001243766.2, NM_001410783.1); c.68delT, p.Phe24Serfs (NM_001290129.3); c.-293del (NM_001290130.2); short protein forms F24fs, F46fs.
Identifiers: ClinVar variation 1724968 (VCV001724968.2), dbSNP rs2525466855, ClinGen allele CA2580063007.

ClinVar aggregate classification (germline): Likely pathogenic (1 of 4 stars; one submission).

Conditions:
Muscular dystrophy-dystroglycanopathy (congenital with brain and eye anomalies), type A3. Also called: Muscular dystrophy-dystroglycanopathy (congenital with brain and eye anomalies), type A, 3; Congenital muscular dystrophy-dystroglycanopathy with brain and eye anomalies, type A3; WALKER-WARBURG SYNDROME OR MUSCLE-EYE-BRAIN DISEASE, POMGNT1-RELATED. Identifiers: MedGen C3151519, MONDO:0009667, OMIM 253280.

Submission:

Myriad Genetics, Inc.
Classification: Likely pathogenic for Muscular dystrophy-dystroglycanopathy (congenital with brain and eye anomalies), type A3. Last evaluated: 2022-03-03. Review status: criteria provided, single submitter. Criteria: Myriad Women's Health Autosomal Recessive and X-Linked Classification Criteria (2021). Collection method: clinical testing. Allele origin: unknown.
Comment: NM_017739.3(POMGNT1):c.137delT(F46Sfs*4) is expected to be pathogenic in the context of POMGNT-related disorders. This variant is predicted to lead to an abnormal or absent protein product due to the creation of a premature termination codon in POMGNT1, a gene where loss-of-function variants are known to be pathogenic. Please note: this variant was assessed in the context of healthy population screening.